The following is an entry in ClinVar:

ClinVar aggregate classification (germline): Likely pathogenic (1 of 4 stars; one submission).

Conditions:
Primary ciliary dyskinesia 3. Identifiers: Orphanet 244, MedGen C1837618, MONDO:0012085, OMIM 608644.

Submission:

Myriad Genetics, Inc.
Classification: Likely pathogenic for Primary ciliary dyskinesia 3. Last evaluated: 2022-01-30. Review status: criteria provided, single submitter. Criteria: Myriad Women's Health Autosomal Recessive and X-Linked Classification Criteria (2021). Collection method: clinical testing. Allele origin: unknown.
Comment: NM_001369.2(DNAH5):c.3017delG(S1006Ifs*29) is expected to be pathogenic in the context of DNAH5-related primary ciliary dyskinesia. This variant is predicted to lead to an abnormal or absent protein product due to the creation of a premature termination codon in DNAH5, a gene where loss-of-function variants are known to be pathogenic. Please note: this variant was assessed in the context of healthy population screening.

NM_001369.3(DNAH5):c.3017del (p.Ser1006fs)

Genes: DNAH5 (dynein axonemal heavy chain 5; minus strand), DNAH5-AS1 (DNAH5 antisense RNA 1; plus strand). Cytogenetic location: 5p15.2.
Variant type: Deletion.
Coding change: c.3017del on transcript NM_001369.3 (MANE Select); coding-DNA position 3017, one base deleted (G; older notation c.3017delG).
Protein change: p.Ser1006fs; shifts the reading frame from serine 1006.
Molecular consequence: frameshift variant.
Genome position (GRCh38, 1-based): chr5:13,883,061, C deleted on the plus strand (G on the coding strand, the reverse complement: DNAH5 is on the minus strand). VCF-style (leftmost placement, unchanged base first): chr5-13883060-AC-A. GRCh37 (hg19) VCF-style: chr5-13883169-AC-A.
Other names: short protein forms S1006fs.
Identifiers: ClinVar variation 1724177 (VCV001724177.2), dbSNP rs2547031611, ClinGen allele CA2580072056.
Genomic context (GRCh38, chr5:13,883,060, plus strand): 5'-GGCAGGGGCCATGACGATGTTGGGAATGGCCAGAGTGACGCTTGCCCGGAAAATGGGCAA[AC>A]TGTTCTGCTTCATGTTAGAGGCACTGTTACTGTCTGAGTTAACCCAAAACAAGGAAGAAT-3'